The following is an entry in ClinVar:

NM_004369.4(COL6A3):c.3650_3651delinsTT (p.Gln1217Leu)

Gene: COL6A3 (collagen type VI alpha 3 chain; minus strand). Cytogenetic location: 2q37.3.
Variant type: Indel.
Coding change: c.3650_3651delinsTT on transcript NM_004369.4 (MANE Select); coding-DNA positions 3650 to 3651, AG replaced by TT.
Protein change: p.Gln1217Leu; replaces glutamine 1217 with leucine.
Molecular consequence: missense variant.
Genome position (GRCh38, 1-based): chr2:237,374,440-237,374,441, CT replaced by AA on the plus strand (AG replaced by TT on the coding strand, the reverse complement: COL6A3 is on the minus strand). VCF-style: chr2-237374440-CT-AA. GRCh37 (hg19) VCF-style: chr2-238283083-CT-AA.
Other names: c.3650_3651delAGinsTT, p.Gln1217Leu (NM_004369.3); c.2429_2430delinsTT, p.Gln810Leu (NM_057164.5); c.3032_3033delinsTT, p.Gln1011Leu (NM_057165.5, NM_057167.4); c.1829_1830delinsTT, p.Gln610Leu (NM_057166.5); short protein forms Q1011L, Q1217L, Q610L, Q810L.
Identifiers: ClinVar variation 1707737 (VCV001707737.2), dbSNP rs2469904463, ClinGen allele CA2580066114.

ClinVar aggregate classification (germline): Uncertain significance (1 of 4 stars; one submission).

Submission:

GeneDx
Classification: Uncertain significance. Last evaluated: 2022-03-31. Review status: criteria provided, single submitter. Criteria: GeneDx Variant Classification Process June 2021. Collection method: clinical testing. Allele origin: germline. Affected: yes.
Comment: Not observed at significant frequency in large population cohorts (gnomAD); In silico analysis supports that this variant does not alter protein structure/function; Has not been previously published as pathogenic or benign to our knowledge